The following is an entry in ClinVar:

NM_001368882.1(COL13A1):c.1756C>T (p.Pro586Ser)

Gene: COL13A1 (collagen type XIII alpha 1 chain; plus strand). Cytogenetic location: 10q22.1.
Variant type: single nucleotide variant.
Coding change: c.1756C>T on transcript NM_001368882.1 (MANE Select); coding-DNA position 1756, C replaced by T.
Protein change: p.Pro586Ser; replaces proline 586 with serine.
Molecular consequence: missense variant. On other transcripts: intron variant (6).
Genome position (GRCh38, 1-based): chr10:69,935,377, C>T. VCF-style: chr10-69935377-C-T. GRCh37 (hg19) VCF-style: chr10-71695133-C-T.
Other names: c.1723C>T (NM_001130103.1); c.1723C>T, p.Pro575Ser (NM_001130103.2); c.1648C>T, p.Pro550Ser (NM_001320951.2); c.1048C>T, p.Pro350Ser (NM_001368886.1); c.1552C>T, p.Pro518Ser (NM_001368898.1); c.1507C>T, p.Pro503Ser (NM_080798.4); c.1666C>T, p.Pro556Ser (NM_080800.4); c.1657C>T, p.Pro553Ser (NM_080801.4); and 8 more; short protein forms P350S, P518S, P550S, P556S, P503S, P509S, P538S, P575S.
Identifiers: ClinVar variation 1402121 (VCV001402121.11), dbSNP rs532274334, ClinGen allele CA5534904.

ClinVar aggregate classification (germline): Uncertain significance. Review status: criteria provided, multiple submitters, no conflicts (2 of 4 stars). 4 submissions from 4 submitters: Uncertain significance (4). Last evaluated 2024-12-24.

Conditions:
Congenital myasthenic syndrome 19. Identifiers: Orphanet 590, MedGen C4225235, MONDO:0014745, OMIM 616720.
Inborn genetic diseases. Identifiers: MedGen C0950123, MeSH D030342.

Allele frequency attached by ClinVar (database versions not stated): TOPMed 0.00001; gnomAD exomes 0.00005 and 0.00012; 1000 Genomes Project 0.00020; ExAC 0.00034; gnomAD 0.00005; 1000 Genomes Project 30x 0.00016.
gnomAD v4.1: 80 of 1,568,606 alleles (0.0051%); highest among the groups gnomAD compares: South Asian, 0.09%; no homozygotes.

Submissions (4):

Revvity Omics, Revvity
Classification: Uncertain significance for Congenital myasthenic syndrome 19. Last evaluated: 2024-12-24. Review status: criteria provided, single submitter. Criteria: ACMG Guidelines, 2015. Collection method: clinical testing. Allele origin: germline.

Ambry Genetics
Classification: Uncertain significance for Inborn genetic diseases. Last evaluated: 2024-07-14. Review status: criteria provided, single submitter. Criteria: Ambry Variant Classification Scheme 2023. Collection method: clinical testing. Allele origin: germline.

Neuberg Centre For Genomic Medicine, NCGM
Classification: Uncertain significance for Congenital myasthenic syndrome 19. Last evaluated: 2023-05-20. Review status: criteria provided, single submitter. Criteria: ACMG Guidelines, 2015. Collection method: clinical testing. Allele origin: germline. Inheritance: Autosomal recessive inheritance. Affected: yes.
Comment: The missense variant c.1756C>T(p.Pro586Ser) in COL13A1 gene has not been reported previously as a pathogenic variant nor as a benign variant, to our knowledge. The observed variant has allele frequency of 0.01% in gnomAD exomes database. This variant has been submitted to the ClinVar database as Uncertain Significance. Multiple lines of computational evidence (Polyphen - possibly damaging, SIFT - tolerated and MutationTaster - disease causing) predicts conflicting evidence on protein structure and function for this variant. The reference amino acid change p.Pro586Ser in COL13A1 is predicted as conserved by GERP++ and PhyloP across 100 vertebrates. The amino acid Pro at position 586 is changed to a Ser changing protein sequence and it might alter its composition and physico-chemical properties. For these reasons, this variant has been classified as Uncertain Significance (VUS). In the absence of another reportable variant in COL13A1 gene, the molecular diagnosis is not confirmed.

Labcorp Genetics (formerly Invitae), Labcorp
Classification: Uncertain significance. Last evaluated: 2022-07-06. Review status: criteria provided, single submitter. Criteria: Invitae Variant Classification Sherloc (09022015). Collection method: clinical testing. Allele origin: germline.
Comment: This sequence change replaces proline, which is neutral and non-polar, with serine, which is neutral and polar, at codon 575 of the COL13A1 protein (p.Pro575Ser). This variant is present in population databases (rs532274334, gnomAD 0.1%). This variant has not been reported in the literature in individuals affected with COL13A1-related conditions. ClinVar contains an entry for this variant (Variation ID: 1402121). Algorithms developed to predict the effect of missense changes on protein structure and function are either unavailable or do not agree on the potential impact of this missense change (SIFT: "Deleterious"; PolyPhen-2: "Probably Damaging"; Align-GVGD: "Class C0"). In summary, the available evidence is currently insufficient to determine the role of this variant in disease. Therefore, it has been classified as a Variant of Uncertain Significance.